The following is an entry in ClinVar:

NM_001376.5(DYNC1H1):c.9592C>G (p.Gln3198Glu)

Gene: DYNC1H1 (dynein cytoplasmic 1 heavy chain 1; plus strand). Cytogenetic location: 14q32.31.
Variant type: single nucleotide variant.
Coding change: c.9592C>G on transcript NM_001376.5 (MANE Select); coding-DNA position 9592, C replaced by G.
Protein change: p.Gln3198Glu; replaces glutamine 3198 with glutamic acid.
Molecular consequence: missense variant.
Genome position (GRCh38, 1-based): chr14:102,029,662, C>G. VCF-style: chr14-102029662-C-G. GRCh37 (hg19) VCF-style: chr14-102495999-C-G.
Other names: short protein forms Q3198E.
Identifiers: ClinVar variation 2415777 (VCV002415777.6), dbSNP rs2503811127, ClinGen allele CA391016049.

ClinVar aggregate classification (germline): Uncertain significance (1 of 4 stars; one submission).

Conditions:
Charcot-Marie-Tooth disease axonal type 2O. Also called: CHARCOT-MARIE-TOOTH NEUROPATHY, AXONAL, TYPE 2O; CHARCOT-MARIE-TOOTH DISEASE, AXONAL, AUTOSOMAL DOMINANT, TYPE 2O; Charcot-Marie-Tooth Neuropathy Type 2O; Charcot-Marie-Tooth disease, axonal, type 20. Identifiers: Orphanet 284232, MedGen C3280220, MONDO:0013644, OMIM 614228.

Allele frequency attached by ClinVar (database versions not stated): gnomAD exomes below 0.00001.
gnomAD v4.1: 1 of 1,614,242 alleles (0.000062%); highest among the groups gnomAD compares: East Asian, 0.0022%; no homozygotes.

Submission:

Labcorp Genetics (formerly Invitae), Labcorp
Classification: Uncertain significance for Charcot-Marie-Tooth disease axonal type 2O. Last evaluated: 2022-07-30. Review status: criteria provided, single submitter. Criteria: Invitae Variant Classification Sherloc (09022015). Collection method: clinical testing. Allele origin: germline.
Comment: This sequence change replaces glutamine, which is neutral and polar, with glutamic acid, which is acidic and polar, at codon 3198 of the DYNC1H1 protein (p.Gln3198Glu). In summary, the available evidence is currently insufficient to determine the role of this variant in disease. Therefore, it has been classified as a Variant of Uncertain Significance. Algorithms developed to predict the effect of missense changes on protein structure and function are either unavailable or do not agree on the potential impact of this missense change (SIFT: "Deleterious"; PolyPhen-2: "Possibly Damaging"; Align-GVGD: "Class C0"). This variant has not been reported in the literature in individuals affected with DYNC1H1-related conditions. This variant is not present in population databases (gnomAD no frequency).